The following is an entry in ClinVar:

ClinVar aggregate classification (germline): Likely benign (1 of 4 stars; one submission).

gnomAD v4.1: 1 of 1,614,108 alleles (0.000062%); highest among the groups gnomAD compares: Non-Finnish European, 0.000085%; no homozygotes.

Submission:

Women's Health and Genetics/Laboratory Corporation of America, LabCorp
Classification: Likely benign. Last evaluated: 2026-03-17. Review status: criteria provided, single submitter. Criteria: LabCorp Variant Classification Summary - May 2015. Collection method: clinical testing. Allele origin: germline.
Comment: Variant summary: GBA1 c.225C>T alters a non-conserved nucleotide resulting in a synonymous change. Consensus agreement among computation tools predict no significant impact on normal splicing. However, these predictions have yet to be confirmed by functional studies. The variant was absent in 1614038 control chromosomes. The available data on variant occurrences in the general population are insufficient to allow any conclusion about variant significance. To our knowledge, no occurrence of c.225C>T in individuals affected with GBA1-related conditions and no experimental evidence demonstrating its impact on protein function have been reported. No submitters have cited clinical-significance assessments for this variant to ClinVar. Based on the evidence outlined above, the variant was classified as likely benign.

NM_000157.4(GBA1):c.225C>T (p.Thr75=)

Genes: GBA1 (glucosylceramidase beta 1; minus strand), LOC106627981 (GBA recombination region; plus strand). Cytogenetic location: 1q22.
Variant type: single nucleotide variant.
Coding change: c.225C>T on transcript NM_000157.4 (MANE Select); coding-DNA position 225, C replaced by T.
Protein change: p.Thr75=; no amino-acid change (threonine 75 retained).
Molecular consequence: synonymous variant. On other transcripts: 5 prime UTR variant (1).
Genome position (GRCh38, 1-based): chr1:155,239,968, G>A on the plus strand (C>T on the coding strand, the complement: GBA1 is on the minus strand). VCF-style: chr1-155239968-G-A. GRCh37 (hg19) VCF-style: chr1-155209759-G-A.
Other names: c.225C>T, p.Thr75= (NM_001171812.2, NM_001005741.3, NM_001005742.3); c.-37C>T (NM_001171811.2).
Identifiers: ClinVar variation 4847181 (VCV004847181.1).
Genomic context (GRCh38, chr1:155,239,968, plus strand): 5'-GATGGGCCCCATACTCAGCTCCATCCGTCGCCCACTGCGTGTACTCTCATAGCGGCTGAA[G>A]GTACCAAGGGCAGGAAAGGTCGGGGGGTCAAAGGAGTCACAGTATGTGGCATTGCAGACA-3'
Protein context (NP_000148.2, residues 65-85): FDPPTFPALG[Thr75=]FSRYESTRSG